The following is an entry in ClinVar:

ClinVar aggregate classification (germline): Pathogenic (1 of 4 stars; one submission).

Conditions:
Nemaline myopathy 2 (NEM2). Also called: Nemaline myopathy 2, autosomal recessive. Identifiers: MedGen C1850569, MONDO:0009725, OMIM 256030.

Submission:

Labcorp Genetics (formerly Invitae), Labcorp
Classification: Pathogenic for Nemaline myopathy 2. Last evaluated: 2023-04-06. Review status: criteria provided, single submitter. Criteria: Invitae Variant Classification Sherloc (09022015). Collection method: clinical testing. Allele origin: germline.
Comment: For these reasons, this variant has been classified as Pathogenic. This variant has not been reported in the literature in individuals affected with NEB-related conditions. This variant is not present in population databases (gnomAD no frequency). This sequence change creates a premature translational stop signal (p.Val7869Serfs*22) in the NEB gene. It is expected to result in an absent or disrupted protein product. Loss-of-function variants in NEB are known to be pathogenic (PMID: 25205138).

Literature cited by the submitters: PubMed 25205138.

NM_001164508.2(NEB):c.23500_23501del (p.Val7834fs)

Genes: NEB (nebulin; minus strand), RIF1 (replication timing regulatory factor 1; plus strand). Cytogenetic location: 2q23.3.
Variant type: Deletion.
Coding change: c.23500_23501del on transcript NM_001164508.2 (MANE Select); coding-DNA positions 23500 to 23501, 2 bases deleted (GT; older notation c.23500_23501delGT).
Protein change: p.Val7834fs; shifts the reading frame from valine 7834.
Molecular consequence: frameshift variant.
Genome position (GRCh38, 1-based): chr2:151,506,964-151,506,965, AC deleted on the plus strand (GT on the coding strand, the reverse complement: NEB is on the minus strand); deleting any 2 consecutive bases within chr2:151,506,964-151,506,966 gives the same sequence; the c. name uses the placement nearest the transcript's 3' end. VCF-style (leftmost placement, unchanged base first): chr2-151506963-AAC-A. GRCh37 (hg19) VCF-style: chr2-152363477-AAC-A.
Other names: c.23500_23501del, p.Val7834fs (NM_001164507.2); c.23605_23606del, p.Val7869fs (NM_001271208.2); c.18397_18398del, p.Val6133fs (NM_004543.5); short protein forms V7834fs, V7869fs, V6133fs.
Identifiers: ClinVar variation 2852196 (VCV002852196.3), dbSNP rs2552009479, ClinGen allele CA2739271305.